The following is an entry in ClinVar:

ClinVar aggregate classification (germline): Uncertain significance (1 of 4 stars; one submission).

Conditions:
Macrocephaly-developmental delay syndrome (MRT41). Also called: INTELLECTUAL DEVELOPMENTAL DISORDER, AUTOSOMAL RECESSIVE 41. Identifiers: Orphanet 397612, MedGen C3810225, MONDO:0014289, OMIM 615637.

Submission:

Broad Center for Mendelian Genomics, Broad Institute of MIT and Harvard
Classification: Uncertain significance for Macrocephaly-developmental delay syndrome. Last evaluated: 2026-03-02. Review status: criteria provided, single submitter. Criteria: ACMG Guidelines, 2015. Collection method: research. Allele origin: germline. Inheritance: Autosomal recessive inheritance.
Comment: The p.Gln399Ter variant in KPTN has not been previously reported in the literature in individuals with neurodevelopmental disorders and was absent from large population studies. This nonsense variant leads to a premature termination codon at position 399. This alteration occurs within the last exon and is more likely to escape nonsense mediated decay (NMD) and result in a truncated protein. Loss of function of the KPTN gene is an established disease mechanism in autosomal recessive intellectual developmental disorder-41. In summary, while there is some suspicion for a pathogenic role, the clinical significance of this variant is uncertain. ACMG/AMP Criteria applied: PVS1_moderate, PM2_supporting, PM3_supporting (Richards 2015).

NM_007059.4(KPTN):c.1195C>T (p.Gln399Ter)

Gene: KPTN (kaptin, actin binding protein; minus strand). Cytogenetic location: 19q13.32.
Variant type: single nucleotide variant.
Coding change: c.1195C>T on transcript NM_007059.4 (MANE Select); coding-DNA position 1195, C replaced by T.
Protein change: p.Gln399Ter; replaces glutamine 399 with a stop codon.
Molecular consequence: nonsense. On other transcripts: non-coding transcript variant (1).
Genome position (GRCh38, 1-based): chr19:47,475,532, G>A on the plus strand (C>T on the coding strand, the complement: KPTN is on the minus strand). VCF-style: chr19-47475532-G-A. GRCh37 (hg19) VCF-style: chr19-47978789-G-A.
Other names: NR_111923.2:n.1341C>T; c.1027C>T, p.Gln343Ter (NM_001291296.2); short protein forms Q343*, Q399*.
Identifiers: ClinVar variation 4819465 (VCV004819465.1).